The following is an entry in ClinVar:

ClinVar aggregate classification (germline): Uncertain significance. Review status: criteria provided, multiple submitters, no conflicts (2 of 4 stars). 2 submissions from 2 submitters: Uncertain significance (2). Last evaluated 2022-02-01.

Conditions:
Gordon syndrome (DA3). Also called: ARTHROGRYPOSIS MULTIPLEX CONGENITA, DISTAL, TYPE IIA; Gordon's syndrome; CAMPTODACTYLY, CLEFT PALATE, AND CLUBFOOT. Identifiers: Orphanet 376, MedGen C0220666, MONDO:0007252, OMIM 114300.

Submissions (2):

Daryl Scott Lab, Baylor College of Medicine
Classification: Uncertain significance for Gordon syndrome. Last evaluated: 2022-02-01. Review status: criteria provided, single submitter. Criteria: ACMG Guidelines, 2015. Collection method: clinical testing. Allele origin: de novo. Observed: 1 variant allele.

Baylor Genetics
Classification: Uncertain significance for Gordon syndrome. Last evaluated: 2019-10-03. Review status: criteria provided, single submitter. Criteria: ACMG Guidelines, 2015. Collection method: clinical testing. Allele origin: de novo. Affected: yes.
Comment: This variant was determined to be of uncertain significance according to ACMG Guidelines, 2015 [PMID:25741868].

Literature cited by the submitters: PubMed 36474027 (cited by Daryl Scott Lab, Baylor College of Medicine).

NM_001378183.1(PIEZO2):c.8386A>G (p.Lys2796Glu)

Gene: PIEZO2 (piezo type mechanosensitive ion channel component 2; minus strand). Cytogenetic location: 18p11.22.
Variant type: single nucleotide variant.
Coding change: c.8386A>G on transcript NM_001378183.1 (MANE Select); coding-DNA position 8386, A replaced by G.
Protein change: p.Lys2796Glu; replaces lysine 2796 with glutamic acid.
Molecular consequence: missense variant.
Genome position (GRCh38, 1-based): chr18:10,671,739, T>C on the plus strand (A>G on the coding strand, the complement: PIEZO2 is on the minus strand). VCF-style: chr18-10671739-T-C. GRCh37 (hg19) VCF-style: chr18-10671736-T-C.
Other names: c.8047A>G, p.Lys2683Glu (NM_022068.4); short protein forms K2796E, K2683E.
Identifiers: ClinVar variation 1028750 (VCV001028750.2), dbSNP rs2033787153, ClinGen allele CA401912201.